The following is an entry in ClinVar:

NM_014391.3(ANKRD1):c.553-17C>G

Gene: ANKRD1 (ankyrin repeat domain 1; minus strand). Cytogenetic location: 10q23.31.
Variant type: single nucleotide variant.
Coding change: c.553-17C>G on transcript NM_014391.3 (MANE Select); 17 bases into the intron before coding-DNA position 553, C replaced by G.
Molecular consequence: intron variant.
Genome position (GRCh38, 1-based): chr10:90,916,286, G>C on the plus strand (C>G on the coding strand, the complement: ANKRD1 is on the minus strand). VCF-style: chr10-90916286-G-C. GRCh37 (hg19) VCF-style: chr10-92676043-G-C.
Identifiers: ClinVar variation 510681 (VCV000510681.2), dbSNP rs770544020, ClinGen allele CA5598689.

ClinVar aggregate classification (germline): Likely benign. Review status: criteria provided, multiple submitters, no conflicts (2 of 4 stars). 2 submissions from 2 submitters: Likely benign (2). Last evaluated 2025-11-24.

Conditions:
ANKRD1-related dilated cardiomyopathy. Identifiers: MedGen CN119551.

Allele frequency attached by ClinVar (database versions not stated): gnomAD exomes below 0.00001; ExAC 0.00001.

Submissions (2):

Labcorp Genetics (formerly Invitae), Labcorp
Classification: Likely benign for ANKRD1-related dilated cardiomyopathy. Last evaluated: 2025-11-24. Review status: criteria provided, single submitter. Criteria: Invitae Variant Classification Sherloc (09022015). Collection method: clinical testing. Allele origin: germline.

GeneDx
Classification: Likely benign. Last evaluated: 2017-07-11. Review status: criteria provided, single submitter. Criteria: GeneDx Variant Classification (06012015). Collection method: clinical testing. Allele origin: germline. Affected: yes.
Comment: This variant is considered likely benign or benign based on one or more of the following criteria: it is a conservative change, it occurs at a poorly conserved position in the protein, it is predicted to be benign by multiple in silico algorithms, and/or has population frequency not consistent with disease.